The following is an entry in ClinVar:

ClinVar aggregate classification (germline): Uncertain significance. Review status: criteria provided, multiple submitters, no conflicts (2 of 4 stars). 2 submissions from 2 submitters: Uncertain significance (2). Last evaluated 2025-12-09.

Conditions:
Inborn genetic diseases. Identifiers: MedGen C0950123, MeSH D030342.

Allele frequency attached by ClinVar (database versions not stated): ExAC 0.00001; gnomAD exomes 0.00001.

Submissions (2):

Ambry Genetics
Classification: Uncertain significance for Inborn genetic diseases. Last evaluated: 2025-12-09. Review status: criteria provided, single submitter. Criteria: Ambry Variant Classification Scheme 2023. Collection method: clinical testing. Allele origin: germline.

Labcorp Genetics (formerly Invitae), Labcorp
Classification: Uncertain significance. Last evaluated: 2022-07-31. Review status: criteria provided, single submitter. Criteria: Invitae Variant Classification Sherloc (09022015). Collection method: clinical testing. Allele origin: germline.
Comment: This sequence change replaces histidine, which is basic and polar, with tyrosine, which is neutral and polar, at codon 2657 of the VPS13A protein (p.His2657Tyr). This variant is present in population databases (rs775841320, gnomAD 0.0009%). This variant has not been reported in the literature in individuals affected with VPS13A-related conditions. Algorithms developed to predict the effect of missense changes on protein structure and function (SIFT, PolyPhen-2, Align-GVGD) all suggest that this variant is likely to be tolerated. In summary, the available evidence is currently insufficient to determine the role of this variant in disease. Therefore, it has been classified as a Variant of Uncertain Significance.

NM_033305.3(VPS13A):c.7969C>T (p.His2657Tyr)

Gene: VPS13A (vacuolar protein sorting 13 homolog A; plus strand). Cytogenetic location: 9q21.2.
Variant type: single nucleotide variant.
Coding change: c.7969C>T on transcript NM_033305.3 (MANE Select); coding-DNA position 7969, C replaced by T.
Protein change: p.His2657Tyr; replaces histidine 2657 with tyrosine.
Molecular consequence: missense variant.
Genome position (GRCh38, 1-based): chr9:77,358,372, C>T. VCF-style: chr9-77358372-C-T. GRCh37 (hg19) VCF-style: chr9-79973288-C-T.
Other names: c.7852C>T, p.His2618Tyr (NM_001018037.2); c.7969C>T, p.His2657Tyr (NM_001018038.3, NM_015186.4); c.7969C>T (NM_033305.2); short protein forms H2657Y, H2618Y.
Identifiers: ClinVar variation 2178071 (VCV002178071.2), dbSNP rs775841320, ClinGen allele CA5093497.